The following is an entry in ClinVar:

NM_001365951.3(KIF1B):c.1570G>A (p.Gly524Arg)

Gene: KIF1B (kinesin family member 1B; plus strand). Cytogenetic location: 1p36.22.
Variant type: single nucleotide variant.
Coding change: c.1570G>A on transcript NM_001365951.3 (MANE Select); coding-DNA position 1570, G replaced by A.
Protein change: p.Gly524Arg; replaces glycine 524 with arginine.
Molecular consequence: missense variant.
Genome position (GRCh38, 1-based): chr1:10,292,102, G>A. VCF-style: chr1-10292102-G-A. GRCh37 (hg19) VCF-style: chr1-10352160-G-A.
Other names: c.1570G>A, p.Gly524Arg (NM_001365952.1); c.1432G>A, p.Gly478Arg (NM_001365953.1, NM_015074.3, NM_183416.4); short protein forms G524R, G478R.
Identifiers: ClinVar variation 2625730 (VCV002625730.2), dbSNP rs2521358415, ClinGen allele CA338313516.
Genomic context (GRCh38, chr1:10,292,102, plus strand): 5'-CCTAGAGAGGCTTTGTTGGCTGAGATGGGAGTTGCCATTCGGGAAGATGGAGGAACCCTA[G>A]GGGTTTTCTCACCTAAAAAGGTAGGAAACAATGCTGTGAAACCTAATCAGACAGAGACAC-3'
Protein context (NP_001352880.1, residues 514-534): VAIREDGGTL[Gly524Arg]VFSPKKTPHL

ClinVar aggregate classification (germline): Uncertain significance (1 of 4 stars; one submission).

Submission:

Ambry Genetics
Classification: Uncertain significance. Last evaluated: 2023-08-13. Review status: criteria provided, single submitter. Criteria: Ambry Variant Classification Scheme 2023. Collection method: clinical testing. Allele origin: germline.
Comment: The p.G478R variant (also known as c.1432G>A), located in coding exon 14 of the KIF1B gene, results from a G to A substitution at nucleotide position 1432. The glycine at codon 478 is replaced by arginine, an amino acid with dissimilar properties. This amino acid position is conserved. In addition, this alteration is predicted to be deleterious by in silico analysis. Since supporting evidence is limited at this time, the clinical significance of this alteration remains unclear.